The following is an entry in ClinVar:

NM_001172509.2(SATB2):c.1236A>G (p.Leu412=)

Gene: SATB2 (SATB homeobox 2; minus strand). Cytogenetic location: 2q33.1.
Variant type: single nucleotide variant.
Coding change: c.1236A>G on transcript NM_001172509.2 (MANE Select); coding-DNA position 1236, A replaced by G.
Protein change: p.Leu412=; no amino-acid change (leucine 412 retained).
Molecular consequence: synonymous variant.
Genome position (GRCh38, 1-based): chr2:199,328,848, T>C on the plus strand (A>G on the coding strand, the complement: SATB2 is on the minus strand). VCF-style: chr2-199328848-T-C. GRCh37 (hg19) VCF-style: chr2-200193571-T-C.
Other names: c.1236A>G, p.Leu412= (NM_001172517.1, NM_015265.4).
Identifiers: ClinVar variation 719062 (VCV000719062.12), dbSNP rs767544833, ClinGen allele CA2045927.

ClinVar aggregate classification (germline): Likely benign. Review status: criteria provided, single submitter (1 of 4 stars). 2 submissions from 2 submitters: Likely benign (1). 1 of the submissions does not count toward it. Last evaluated 2025-06-30.

Conditions:
Chromosome 2q32-q33 deletion syndrome (GLASS). Also called: 2q33.1 deletion syndrome; Glass syndrome. Identifiers: Orphanet 251019, MedGen C2676739, MONDO:0012864, OMIM 612313.

Allele frequency attached by ClinVar (database versions not stated): ExAC 0.00002; gnomAD exomes 0.00002 and 0.00003; TOPMed 0.00002; gnomAD 0.00003.
gnomAD v4.1: 44 of 1,613,872 alleles (0.0027%); highest among the groups gnomAD compares: Middle Eastern, 0.033%; no homozygotes.

Submissions (3):

Labcorp Genetics (formerly Invitae), Labcorp
Classification: Likely benign for Chromosome 2q32-q33 deletion syndrome. Last evaluated: 2025-06-30. Review status: criteria provided, single submitter. Criteria: Invitae Variant Classification Sherloc (09022015). Collection method: clinical testing. Allele origin: germline.

Department of Pathology and Laboratory Medicine, Sinai Health System
Classification: Benign. Review status: no assertion criteria provided. Collection method: clinical testing. Allele origin: unknown. Affected: yes. Study: The Canadian Open Genetics Repository (COGR). Not counted in ClinVar's aggregate classification.
Comment: The SATB2 p.Leu412Leu variant was not identified in the literature nor was it identified in ClinVar. The variant was identified in dbSNP (ID: rs767544833) and in control databases in 6 of 250776 chromosomes at a frequency of 0.00002393 (Genome Aggregation Database March 6, 2019, v2.1.1). The variant was observed in the following populations: Other in 1 of 6106 chromosomes (freq: 0.000164), East Asian in 1 of 18394 chromosomes (freq: 0.000054) and European (non-Finnish) in 4 of 113192 chromosomes (freq: 0.000035), but was not observed in the African, Latino, Ashkenazi Jewish, European (Finnish), or South Asian populations. The p.Leu412Leu variant is not expected to have clinical significance because it does not result in a change of amino acid and is not located in a known consensus splice site. However, three of four in silico or computational prediction software programs (SpliceSiteFinder, MaxEntScan, NNSPLICE, GeneSplicer) predict a greater than 10% difference in splicing. However, this information is not predictive enough to assume pathogenicity. In summary, based on the above information this variant meets our laboratory's criteria to be classified as benign.

Dr. Peter K. Rogan Lab, Western University
No classification provided (evidence only). Condition: Uterine carcinosarcoma. Review status: no classification provided. Collection method: in vitro. Allele origin: not applicable. Functional consequence: retained intron. Not counted in ClinVar's aggregate classification.